The following is an entry in ClinVar:

ClinVar aggregate classification (germline): Uncertain significance (1 of 4 stars; one submission).

gnomAD v4.1: 10 of 1,559,140 alleles (0.00064%); highest among the groups gnomAD compares: African/African-American, 0.0027%; no homozygotes.

Submission:

Labcorp Genetics (formerly Invitae), Labcorp
Classification: Uncertain significance. Last evaluated: 2022-11-22. Review status: criteria provided, single submitter. Criteria: Invitae Variant Classification Sherloc (09022015). Collection method: clinical testing. Allele origin: germline.
Comment: In summary, the available evidence is currently insufficient to determine the role of this variant in disease. Therefore, it has been classified as a Variant of Uncertain Significance. Advanced modeling of protein sequence and biophysical properties (such as structural, functional, and spatial information, amino acid conservation, physicochemical variation, residue mobility, and thermodynamic stability) performed at Invitae indicates that this missense variant is expected to disrupt COL9A3 protein function. ClinVar contains an entry for this variant (Variation ID: 1474395). This variant has not been reported in the literature in individuals affected with COL9A3-related conditions. The frequency data for this variant in the population databases is considered unreliable, as metrics indicate poor data quality at this position in the gnomAD database. This sequence change replaces glycine, which is neutral and non-polar, with glutamic acid, which is acidic and polar, at codon 238 of the COL9A3 protein (p.Gly238Glu).

NM_001853.4(COL9A3):c.713G>A (p.Gly238Glu)

Gene: COL9A3 (collagen type IX alpha 3 chain; plus strand). Cytogenetic location: 20q13.33.
Variant type: single nucleotide variant.
Coding change: c.713G>A on transcript NM_001853.4 (MANE Select); coding-DNA position 713, G replaced by A.
Protein change: p.Gly238Glu; replaces glycine 238 with glutamic acid.
Molecular consequence: missense variant.
Genome position (GRCh38, 1-based): chr20:62,826,232, G>A. VCF-style: chr20-62826232-G-A. GRCh37 (hg19) VCF-style: chr20-61457584-G-A.
Other names: short protein forms G238E.
Identifiers: ClinVar variation 1474395 (VCV001474395.6), dbSNP rs1475047922, ClinGen allele CA409591967.